The following is an entry in ClinVar:

ClinVar aggregate classification (germline): Likely benign (1 of 4 stars; one submission).

Conditions:
RPGRIP1L-related disorder. Also called: RPGRIP1L-related disorders; RPGRIP1L-related condition. Identifiers: MedGen CN239416.

Submission:

PreventionGenetics, part of Exact Sciences
Classification: Likely benign for RPGRIP1L-related condition. Last evaluated: 2026-08-05. Review status: criteria provided, single submitter. Criteria: ACMG Guidelines, 2015. Collection method: clinical testing. Allele origin: germline.
Comment: This variant is classified as likely benign based on ACMG/AMP sequence variant interpretation guidelines (Richards et al. 2015 PMID: 25741868, with internal and published modifications).

NM_015272.5(RPGRIP1L):c.230+717A>C

Gene: RPGRIP1L (RPGRIP1 like; minus strand). Cytogenetic location: 16q12.2.
Variant type: single nucleotide variant.
Coding change: c.230+717A>C on transcript NM_015272.5 (MANE Select); 717 bases into the intron after coding-DNA position 230, A replaced by C.
Molecular consequence: intron variant. On other transcripts: synonymous variant (1).
Genome position (GRCh38, 1-based): chr16:53,695,434, T>G on the plus strand (A>C on the coding strand, the complement: RPGRIP1L is on the minus strand). VCF-style: chr16-53695434-T-G. GRCh37 (hg19) VCF-style: chr16-53729346-T-G.
Other names: c.255A>C, p.Pro85= (NM_001328422.2); c.230+717A>C (NM_001127897.4, NM_001330538.2, NM_001308334.3).
Identifiers: ClinVar variation 4992963 (VCV004992963.1).